The following is an entry in ClinVar:

NM_000479.5(AMH):c.649dup (p.Gln217fs)

Gene: AMH (anti-Mullerian hormone; plus strand). Cytogenetic location: 19p13.3.
Variant type: Duplication.
Coding change: c.649dup on transcript NM_000479.5 (MANE Select); coding-DNA position 649, one base duplicated (C; older notation c.649dupC).
Protein change: p.Gln217fs; shifts the reading frame from glutamine 217.
Molecular consequence: frameshift variant.
Genome position (GRCh38, 1-based): chr19:2,250,745, C duplicated. VCF-style (leftmost placement, unchanged base first): chr19-2250744-G-GC. GRCh37 (hg19) VCF-style: chr19-2250743-G-GC.
Other names: short protein forms Q217fs.
Identifiers: ClinVar variation 3605417 (VCV003605417.3).

ClinVar aggregate classification (germline): Pathogenic (1 of 4 stars; one submission).

Submission:

Labcorp Genetics (formerly Invitae), Labcorp
Classification: Pathogenic. Last evaluated: 2024-02-01. Review status: criteria provided, single submitter. Criteria: Invitae Variant Classification Sherloc (09022015). Collection method: clinical testing. Allele origin: germline.
Comment: This sequence change creates a premature translational stop signal (p.Gln217Profs*166) in the AMH gene. While this is not anticipated to result in nonsense mediated decay, it is expected to disrupt the last 344 amino acid(s) of the AMH protein. This variant is present in population databases (no rsID available, gnomAD 0.01%). This variant has not been reported in the literature in individuals affected with AMH-related conditions. This variant disrupts a region of the AMH protein in which other variant(s) (p.Arg302Gln) have been determined to be pathogenic (PMID: 28528332, 30668521; Invitae). This suggests that this is a clinically significant region of the protein, and that variants that disrupt it are likely to be disease-causing. For these reasons, this variant has been classified as Pathogenic.

Literature cited by the submitters: PubMed 28528332; PubMed 30668521.